The following is an entry in ClinVar:

NM_000132.4(F8):c.908C>A (p.Ala303Glu)

Gene: F8 (coagulation factor VIII; minus strand). Cytogenetic location: Xq28.
Variant type: single nucleotide variant.
Coding change: c.908C>A on transcript NM_000132.4 (MANE Select); coding-DNA position 908, C replaced by A.
Protein change: p.Ala303Glu; replaces alanine 303 with glutamic acid.
Molecular consequence: missense variant.
Genome position (GRCh38, 1-based): chrX:154,969,432, G>T on the plus strand (C>A on the coding strand, the complement: F8 is on the minus strand). VCF-style: chrX-154969432-G-T. GRCh37 (hg19) VCF-style: chrX-154197707-G-T.
Other names: short protein forms A303E.
Identifiers: ClinVar variation 4795910 (VCV004795910.1).

ClinVar aggregate classification (germline): Likely pathogenic (1 of 4 stars; one submission).

Conditions:
Hereditary factor VIII deficiency disease (HEMA). Also called: HEMOPHILIA, CLASSIC; AUTOSOMAL HEMOPHILIA A; Hemophilia A; Hemophilia A, congenital; HEM A; Factor 8 deficiency, congenital. Identifiers: Orphanet 98878, MedGen C0019069, MONDO:0010602, OMIM 306700.

gnomAD v4.1: 1 of 1,211,055 alleles (0.000083%); highest among the groups gnomAD compares: South Asian, 0.0018%; no homozygotes.

Submission:

Variantyx, Inc.
Classification: Likely pathogenic for Hereditary factor VIII deficiency disease. Last evaluated: 2026-01-20. Review status: criteria provided, single submitter. Criteria: Variantyx Assertion Criteria 2022. Collection method: clinical testing. Allele origin: maternal. Inheritance: X-linked recessive inheritance.
Comment: This is a nonsynonymous variant in the F8 gene (OMIM: 300841). Pathogenic variants in this gene have been associated with X-linked hemophilia A. This variant has been reported in 3 unrelated affected individuals (PMID: 8759905, 7986726, 23711294, 26147783) (PS4_Moderate). Functional studies have shown that this variant alters F8 protein function (PMID: 11157485) (PS3), and multiple computational algorithms predict a deleterious effect (REVEL score: 0.802) (PP3). This variant has a 0.0018% maximum allele frequency in non-founder control populations. Based on the current evidence, this variant is classified as pathogenic for X-linked hemophilia A.

Literature cited by the submitters: PubMed 8759905; PubMed 7986726; PubMed 23711294; PubMed 26147783; PubMed 11157485.